The following is an entry in ClinVar:

ClinVar aggregate classification (germline): Likely benign. Review status: criteria provided, multiple submitters, no conflicts (2 of 4 stars). 2 submissions from 2 submitters: Likely benign (2). Last evaluated 2026-07-02.

Conditions:
BTD-related disorder. Also called: BTD-related condition.
Biotinidase deficiency. Also called: Biotin deficiency; BTD deficiency; Late-onset biotin-responsive multiple carboxylase deficiency. Identifiers: Orphanet 79241, MedGen C0220754, MONDO:0009665, OMIM 253260.

Allele frequency attached by ClinVar (database versions not stated): gnomAD exomes below 0.00001 and 0.00001; ExAC 0.00001; gnomAD 0.00001; TOPMed 0.00003.
gnomAD v4.1: 5 of 1,614,036 alleles (0.00031%); highest among the groups gnomAD compares: Admixed American, 0.0067%; no homozygotes.

Submissions (2):

PreventionGenetics, part of Exact Sciences
Classification: Likely benign for BTD-related condition. Last evaluated: 2026-07-02. Review status: criteria provided, single submitter. Criteria: ACMG Guidelines, 2015. Collection method: clinical testing. Allele origin: germline.
Comment: This variant is classified as likely benign based on ACMG/AMP sequence variant interpretation guidelines (Richards et al. 2015 PMID: 25741868, with internal and published modifications).

Labcorp Genetics (formerly Invitae), Labcorp
Classification: Likely benign for Biotinidase deficiency. Last evaluated: 2024-10-22. Review status: criteria provided, single submitter. Criteria: Invitae Variant Classification Sherloc (09022015). Collection method: clinical testing. Allele origin: germline.

NM_001370658.1(BTD):c.729G>A (p.Val243=)

Gene: BTD (biotinidase; plus strand). Cytogenetic location: 3p25.1.
Variant type: single nucleotide variant.
Coding change: c.729G>A on transcript NM_001370658.1 (MANE Select); coding-DNA position 729, G replaced by A.
Protein change: p.Val243=; no amino-acid change (valine 243 retained).
Molecular consequence: synonymous variant. On other transcripts: intron variant (6).
Genome position (GRCh38, 1-based): chr3:15,644,645, G>A. VCF-style: chr3-15644645-G-A. GRCh37 (hg19) VCF-style: chr3-15686152-G-A.
Other names: c.789G>A (NM_000060.4); c.729G>A, p.Val243= (NM_001281723.4, NM_001281724.3, NM_001281725.3 and 18 more transcripts); c.399+2588G>A (NM_001370753.1, NM_001407400.1, NM_001407380.1 and 3 more transcripts).
Identifiers: ClinVar variation 1124932 (VCV001124932.9), dbSNP rs777470168, ClinGen allele CA2277378.